The following is an entry in ClinVar:

ClinVar aggregate classification (germline): Likely benign (1 of 4 stars; one submission).

Allele frequency attached by ClinVar (database versions not stated): gnomAD exomes below 0.00001; ExAC 0.00001; gnomAD 0.00001.
gnomAD v4.1: 4 of 1,613,940 alleles (0.00025%); highest among the groups gnomAD compares: Admixed American, 0.0017%; no homozygotes.

Submission:

CeGaT Center for Human Genetics Tuebingen
Classification: Likely benign. Last evaluated: 2023-05-01. Review status: criteria provided, single submitter. Criteria: CeGaT Center For Human Genetics Tuebingen Variant Classification Criteria Version 2. Collection method: clinical testing. Allele origin: germline. Affected: yes. Observed: 1 variant allele.
Comment: CELSR2: BP4

NM_001408.3(CELSR2):c.4875G>A (p.Val1625=)

Gene: CELSR2 (cadherin EGF LAG seven-pass G-type receptor 2; plus strand). Cytogenetic location: 1p13.3.
Variant type: single nucleotide variant.
Coding change: c.4875G>A on transcript NM_001408.3 (MANE Select); coding-DNA position 4875, G replaced by A.
Protein change: p.Val1625=; no amino-acid change (valine 1625 retained).
Molecular consequence: synonymous variant.
Genome position (GRCh38, 1-based): chr1:109,263,651, G>A. VCF-style: chr1-109263651-G-A. GRCh37 (hg19) VCF-style: chr1-109806273-G-A.
Identifiers: ClinVar variation 2638972 (VCV002638972.24), dbSNP rs758661208, ClinGen allele CA987366.